The following is an entry in ClinVar:

ClinVar aggregate classification (germline): Uncertain significance (1 of 4 stars; one submission).

Conditions:
SEMA3G-related disorder. Also called: SEMA3G-related condition.

Submission:

PreventionGenetics, part of Exact Sciences
Classification: Uncertain significance for SEMA3G-related condition. Last evaluated: 2026-04-04. Review status: criteria provided, single submitter. Criteria: ACMG Guidelines, 2015. Collection method: clinical testing. Allele origin: germline.
Comment: The SEMA3G c.755C>A variant is predicted to result in the amino acid substitution p.Pro252His. To our knowledge, this variant has not been reported in the literature or in a large population database (gnomAD), indicating this variant is rare. At this time, the clinical significance of this variant is uncertain due to the absence of conclusive functional and genetic evidence.

NM_020163.3(SEMA3G):c.755C>A (p.Pro252His)

Gene: SEMA3G (semaphorin 3G; minus strand). Cytogenetic location: 3p21.1.
Variant type: single nucleotide variant.
Coding change: c.755C>A on transcript NM_020163.3 (MANE Select); coding-DNA position 755, C replaced by A.
Protein change: p.Pro252His; replaces proline 252 with histidine.
Molecular consequence: missense variant.
Genome position (GRCh38, 1-based): chr3:52,441,322, G>T on the plus strand (C>A on the coding strand, the complement: SEMA3G is on the minus strand). VCF-style: chr3-52441322-G-T. GRCh37 (hg19) VCF-style: chr3-52475338-G-T.
Other names: short protein forms P252H.
Identifiers: ClinVar variation 4991093 (VCV004991093.1).